The following is an entry in ClinVar:

ClinVar aggregate classification (germline): Likely pathogenic (1 of 4 stars; one submission).

Conditions:
Familial thoracic aortic aneurysm and aortic dissection (TAAD). Also called: Thoracic aortic aneurysms and dissections. Identifiers: Orphanet 91387, MedGen C4707243, MONDO:0019625.
Marfan syndrome (MFS). Also called: FBN1-Related Marfan Syndrome; Marfan syndrome type 1; Marfan's syndrome; Marfan syndrome, classic; MARFAN SYNDROME, TYPE I. Identifiers: Orphanet 284963, Orphanet 558, MedGen C0024796, MONDO:0007947, OMIM 154700.

Submission:

Labcorp Genetics (formerly Invitae), Labcorp
Classification: Likely pathogenic for Marfan syndrome; Familial thoracic aortic aneurysm and aortic dissection. Last evaluated: 2018-11-11. Review status: criteria provided, single submitter. Criteria: Invitae Variant Classification Sherloc (09022015). Collection method: clinical testing. Allele origin: germline.
Comment: This variant is not present in population databases (ExAC no frequency). This variant, c.7987_8004del, results in the deletion of 6 amino acid(s) of the FBN1 protein (p.Cys2663_Gly2668del), but otherwise preserves the integrity of the reading frame. In summary, the currently available evidence indicates that the variant is pathogenic, but additional data are needed to prove that conclusively. Therefore, this variant has been classified as Likely Pathogenic. This variant affects a cysteine residue in the EGF-like, TGFBP or hybrid motif domains of FBN1. Cysteine residues are believed to be involved in intramolecular disulfide bridges and have been shown to be important for FBN1 protein structure (PMID: 16905551, 19349279). In addition, missense substitutions affecting cysteine residues within these domains are significantly overrepresented among patients with Marfan syndrome (PMID: 16571647, 17701892).

Literature cited by the submitters: PubMed 16905551; PubMed 19349279; PubMed 16571647; PubMed 17701892.

NM_000138.5(FBN1):c.7987_8004del (p.Cys2663_Gly2668del)

Gene: FBN1 (fibrillin 1; minus strand). Cytogenetic location: 15q21.1.
Variant type: Deletion.
Coding change: c.7987_8004del on transcript NM_000138.5 (MANE Select); coding-DNA positions 7987 to 8004, 18 bases deleted (TGTTCCAATACCGAGGGC).
Protein change: p.Cys2663_Gly2668del.
Molecular consequence: inframe deletion.
Genome position (GRCh38, 1-based): chr15:48,415,583-48,415,600, GCCCTCGGTATTGGAACA deleted on the plus strand (TGTTCCAATACCGAGGGC on the coding strand, the reverse complement: FBN1 is on the minus strand); deleting any 18 consecutive bases within chr15:48,415,583-48,415,603 gives the same sequence; the c. name uses the placement nearest the transcript's 3' end. VCF-style (leftmost placement, unchanged base first): chr15-48415582-CGCCCTCGGTATTGGAACA-C. GRCh37 (hg19) VCF-style: chr15-48707779-CGCCCTCGGTATTGGAACA-C.
Other names: c.7987_8004delTGTTCCAATACCGAGGGC (NM_000138.4).
Identifiers: ClinVar variation 660091 (VCV000660091.8), dbSNP rs1597509607, ClinGen allele CA915946623.